The following is an entry in ClinVar:

NM_001282933.2(ZNF341):c.497T>C (p.Leu166Pro)

Gene: ZNF341 (zinc finger protein 341; plus strand). Cytogenetic location: 20q11.22.
Variant type: single nucleotide variant.
Coding change: c.497T>C on transcript NM_001282933.2 (MANE Select); coding-DNA position 497, T replaced by C.
Protein change: p.Leu166Pro; replaces leucine 166 with proline.
Molecular consequence: missense variant. On other transcripts: non-coding transcript variant (1).
Genome position (GRCh38, 1-based): chr20:33,753,179, T>C. VCF-style: chr20-33753179-T-C. GRCh37 (hg19) VCF-style: chr20-32340985-T-C.
Other names: c.227T>C, p.Leu76Pro (NM_001282935.2); c.497T>C, p.Leu166Pro (NM_032819.5); short protein forms L166P, L76P.
Identifiers: ClinVar variation 1500673 (VCV001500673.8), dbSNP rs2019096469, ClinGen allele CA408649287.

ClinVar aggregate classification (germline): Uncertain significance (1 of 4 stars; one submission).

Allele frequency attached by ClinVar (database versions not stated): gnomAD exomes below 0.00001.
gnomAD v4.1: 5 of 1,612,138 alleles (0.00031%); highest among the groups gnomAD compares: Non-Finnish European, 0.00034%; no homozygotes.

Submission:

Labcorp Genetics (formerly Invitae), Labcorp
Classification: Uncertain significance. Last evaluated: 2023-11-27. Review status: criteria provided, single submitter. Criteria: Invitae Variant Classification Sherloc (09022015). Collection method: clinical testing. Allele origin: germline.
Comment: This sequence change replaces leucine, which is neutral and non-polar, with proline, which is neutral and non-polar, at codon 166 of the ZNF341 protein (p.Leu166Pro). This variant is not present in population databases (gnomAD no frequency). This variant has not been reported in the literature in individuals affected with ZNF341-related conditions. ClinVar contains an entry for this variant (Variation ID: 1500673). An algorithm developed to predict the effect of missense changes on protein structure and function (PolyPhen-2) suggests that this variant is likely to be tolerated. In summary, the available evidence is currently insufficient to determine the role of this variant in disease. Therefore, it has been classified as a Variant of Uncertain Significance.